The following is an entry in ClinVar:

ClinVar aggregate classification (germline): Uncertain significance. Review status: criteria provided, multiple submitters, no conflicts (2 of 4 stars). 2 submissions from 2 submitters: Uncertain significance (2). Last evaluated 2025-10-15.

Conditions:
TTN-related disorder. Also called: TTN-related disorders; TTN-related condition; TTN-related disease.

gnomAD v4.1: 16 of 1,607,864 alleles (0.001%); highest among the groups gnomAD compares: Admixed American, 0.017%; no homozygotes.

Submissions (2):

PreventionGenetics, part of Exact Sciences
Classification: Uncertain significance for TTN-related condition. Last evaluated: 2025-10-15. Review status: criteria provided, single submitter. Criteria: ACMG Guidelines, 2015. Collection method: clinical testing. Allele origin: germline.
Comment: The TTN c.10628A>G variant is predicted to result in the amino acid substitution p.Asn3543Ser. To our knowledge, this variant has not been reported in the literature. This variant is reported in 0.026% of alleles in individuals of Latino descent in gnomAD. At this time, the clinical significance of this variant is uncertain due to the absence of conclusive functional and genetic evidence.

Blueprint Genetics
Classification: Uncertain significance. Last evaluated: 2019-10-10. Review status: criteria provided, single submitter. Criteria: ACMG Guidelines, 2015. Collection method: clinical testing. Allele origin: germline.

NM_001267550.2(TTN):c.10628A>G (p.Asn3543Ser)

Gene: TTN (titin; minus strand). Cytogenetic location: 2q31.2.
Variant type: single nucleotide variant.
Coding change: c.10628A>G on transcript NM_001267550.2 (MANE Select); coding-DNA position 10628, A replaced by G.
Protein change: p.Asn3543Ser; replaces asparagine 3543 with serine.
Molecular consequence: missense variant. On other transcripts: intron variant (5).
Genome position (GRCh38, 1-based): chr2:178,757,592, T>C on the plus strand (A>G on the coding strand, the complement: TTN is on the minus strand). VCF-style: chr2-178757592-T-C. GRCh37 (hg19) VCF-style: chr2-179622319-T-C.
Other names: c.10490A>G, p.Asn3497Ser (NM_133432.3); c.10165+1392A>G (NM_003319.4); c.10166-795A>G (NM_133437.4); c.10303+1392A>G (NM_133378.4, NM_001256850.1, NM_133379.5); short protein forms N3543S, N3497S.
Identifiers: ClinVar variation 4958766 (VCV004958766.2).